The following is an entry in ClinVar:

ClinVar aggregate classification (germline): Uncertain significance (1 of 4 stars; one submission).

Conditions:
Mucopolysaccharidosis, MPS-III-D (MPS3D). Also called: N-ACETYLGLUCOSAMINE-6-SULFATASE DEFICIENCY; SANFILIPPO SYNDROME D; MPS III D; Mucopoly-saccharidosis type 3D; N-acetylglucosamine-6-sulfate sulfatase deficiency; MPS 3D. Identifiers: Orphanet 581, Orphanet 79272, MedGen C0086650, MONDO:0009658, OMIM 252940.

Submission:

Labcorp Genetics (formerly Invitae), Labcorp
Classification: Uncertain significance for Mucopolysaccharidosis, MPS-III-D. Last evaluated: 2022-06-22. Review status: criteria provided, single submitter. Criteria: Invitae Variant Classification Sherloc (09022015). Collection method: clinical testing. Allele origin: germline.
Comment: In summary, the available evidence is currently insufficient to determine the role of this variant in disease. Therefore, it has been classified as a Variant of Uncertain Significance. Algorithms developed to predict the effect of missense changes on protein structure and function are either unavailable or do not agree on the potential impact of this missense change (SIFT: "Deleterious"; PolyPhen-2: "Probably Damaging"; Align-GVGD: "Class C0"). This variant has not been reported in the literature in individuals affected with GNS-related conditions. This variant is not present in population databases (gnomAD no frequency). This sequence change replaces leucine, which is neutral and non-polar, with phenylalanine, which is neutral and non-polar, at codon 61 of the GNS protein (p.Leu61Phe).

NM_002076.4(GNS):c.181C>T (p.Leu61Phe)

Gene: GNS (glucosamine (N-acetyl)-6-sulfatase; minus strand). Cytogenetic location: 12q14.3.
Variant type: single nucleotide variant.
Coding change: c.181C>T on transcript NM_002076.4 (MANE Select); coding-DNA position 181, C replaced by T.
Protein change: p.Leu61Phe; replaces leucine 61 with phenylalanine.
Molecular consequence: missense variant.
Genome position (GRCh38, 1-based): chr12:64,759,096, G>A on the plus strand (C>T on the coding strand, the complement: GNS is on the minus strand). VCF-style: chr12-64759096-G-A. GRCh37 (hg19) VCF-style: chr12-65152876-G-A.
Other names: short protein forms L61F.
Identifiers: ClinVar variation 1984686 (VCV001984686.2), dbSNP rs1384470031, ClinGen allele CA385612868.